The following is an entry in ClinVar:

NM_182931.3(KMT2E):c.916del (p.Arg306fs)

Gene: KMT2E (lysine methyltransferase 2E (inactive); plus strand). Cytogenetic location: 7q22.3.
Variant type: Deletion.
Coding change: c.916del on transcript NM_182931.3 (MANE Select); coding-DNA position 916, one base deleted (A; older notation c.916delA).
Protein change: p.Arg306fs; shifts the reading frame from arginine 306.
Molecular consequence: frameshift variant.
Genome position (GRCh38, 1-based): chr7:105,077,110, A deleted. VCF-style (leftmost placement, unchanged base first): chr7-105077109-GA-G. GRCh37 (hg19) VCF-style: chr7-104717556-GA-G.
Other names: c.916del, p.Arg306fs (NM_001410908.1, NM_018682.4); short protein forms R306fs.
Identifiers: ClinVar variation 2571293 (VCV002571293.27), dbSNP rs2536427883, ClinGen allele CA2580617058.

ClinVar aggregate classification (germline): Pathogenic (1 of 4 stars; one submission).

Submission:

CeGaT Center for Human Genetics Tuebingen
Classification: Pathogenic. Last evaluated: 2023-06-01. Review status: criteria provided, single submitter. Criteria: CeGaT Center For Human Genetics Tuebingen Variant Classification Criteria Version 2. Collection method: clinical testing. Allele origin: germline. Affected: yes. Observed: 1 variant allele.
Comment: KMT2E: PVS1, PM2